The following is an entry in ClinVar:

ClinVar aggregate classification (germline): Pathogenic (1 of 4 stars; one submission).

Conditions:
Joubert syndrome and related disorders. Identifiers: Orphanet 140874, MedGen C5679612, MONDO:0015369.

Submission:

Myriad Genetics, Inc.
Classification: Pathogenic for Joubert syndrome and related disorders. Last evaluated: 2025-05-24. Review status: criteria provided, single submitter. Criteria: Myriad Autosomal Dominant, Autosomal Recessive and X-Linked Classification Criteria (2023). Collection method: clinical testing. Allele origin: unknown.
Comment: NM_001080522.2(CC2D2A):c.412G>T(E138*) is expected to be pathogenic in the context of CC2D2A-related disorders. This variant is predicted to lead to an abnormal or absent protein product due to the creation of a premature termination codon in CC2D2A, a gene where loss-of-function variants are known to be pathogenic. Please note: this variant was assessed in the context of healthy population screening.

NM_001378615.1(CC2D2A):c.412G>T (p.Glu138Ter)

Genes: CC2D2A (coiled-coil and C2 domain containing 2A; plus strand), FBXL5 (F-box and leucine rich repeat protein 5; minus strand). Cytogenetic location: 4p15.32.
Variant type: single nucleotide variant.
Coding change: c.412G>T on transcript NM_001378615.1 (MANE Select); coding-DNA position 412, G replaced by T.
Protein change: p.Glu138Ter; replaces glutamic acid 138 with a stop codon.
Molecular consequence: nonsense.
Genome position (GRCh38, 1-based): chr4:15,502,897, G>T. VCF-style: chr4-15502897-G-T. GRCh37 (hg19) VCF-style: chr4-15504520-G-T.
Other names: c.412G>T, p.Glu138Ter (NM_001080522.2); c.265G>T, p.Glu89Ter (NM_001378617.1); short protein forms E138*, E89*.
Identifiers: ClinVar variation 5014512 (VCV005014512.1).
Genomic context (GRCh38, chr4:15,502,897, plus strand): 5'-GCATTGCTGCAGGAAATCCCCACTCCTCGGCCCAGACGCTTACGAAGTCCCAGTAAGAAA[G>T]AATTGGAGACTGAATTTGGCACAGAGGTGAGAAATACCCTCTCTACTTTGTGATCAAAAC-3'